The following is an entry in ClinVar:

ClinVar aggregate classification (germline): Conflicting classifications of pathogenicity. Review status: criteria provided, conflicting classifications (1 of 4 stars). 2 submissions from 2 submitters: Uncertain significance (1); Likely benign (1). Last evaluated 2025-12-22.

Conditions:
Familial adenomatous polyposis 1 (FAP1). Also called: FAMILIAL ADENOMATOUS POLYPOSIS 1, ATTENUATED; POLYPOSIS, ADENOMATOUS INTESTINAL. Identifiers: MedGen C2713442, MONDO:0021056, OMIM 175100. Disease mechanism: loss of function.
Hereditary cancer-predisposing syndrome. Also called: Neoplastic Syndromes, Hereditary; Tumor predisposition; Hereditary Cancer Syndrome; Hereditary neoplastic syndrome. Identifiers: Orphanet 140162, MedGen C0027672, MeSH D009386, MONDO:0015356.

Submissions (2):

Ambry Genetics
Classification: Uncertain significance for Hereditary cancer-predisposing syndrome. Last evaluated: 2025-12-22. Review status: criteria provided, single submitter. Criteria: Ambry Variant Classification Scheme 2023. Collection method: clinical testing. Allele origin: germline.
Comment: The c.135+4T>A intronic variant results from a T to A substitution 4 nucleotides after coding exon 1 in the APC gene. This nucleotide position is highly conserved in available vertebrate species. In silico splice site analysis predicts that this alteration will not have any significant effect on splicing. Based on the available evidence, the clinical significance of this variant remains unclear.

Labcorp Genetics (formerly Invitae), Labcorp
Classification: Likely benign for Familial adenomatous polyposis 1. Last evaluated: 2022-07-30. Review status: criteria provided, single submitter. Criteria: Invitae Variant Classification Sherloc (09022015). Collection method: clinical testing. Allele origin: germline.

NM_000038.6(APC):c.135+4T>A

Gene: APC (APC regulator of Wnt signaling pathway; plus strand). Cytogenetic location: 5q22.2.
Variant type: single nucleotide variant.
Coding change: c.135+4T>A on transcript NM_000038.6 (MANE Select); 4 bases into the intron after coding-DNA position 135, T replaced by A.
Molecular consequence: intron variant.
Genome position (GRCh38, 1-based): chr5:112,755,029, T>A. VCF-style: chr5-112755029-T-A. GRCh37 (hg19) VCF-style: chr5-112090726-T-A.
Other names: c.135+4T>A (NM_001354895.2, NM_001127510.3, NM_001354896.2 and 3 more transcripts); c.166-11297T>A (NM_001354897.2, NM_001354902.2, NM_001127511.3); c.61-11297T>A (NM_001354898.2, NM_001354904.2); c.-901+4T>A (NM_001354906.2); c.-42-11297T>A (NM_001354900.2, NM_001354901.2, NM_001354905.2).
Identifiers: ClinVar variation 2017740 (VCV002017740.5), dbSNP rs1561445118, ClinGen allele CA2580072267.